The following is an entry in ClinVar:

ClinVar aggregate classification (germline): Uncertain significance (1 of 4 stars; one submission).

Conditions:
Singleton-Merten syndrome 1 (SGMRT1). Also called: Widened medullary cavities of bone, aortic calcification, abnormal dentition, and muscular weakness; Syndrome of widened medullary cavities of the metacarpals and phalanges, aortic calcification and abnormal dentition. Identifiers: Orphanet 85191, MedGen C4225427, MONDO:0024535, OMIM 182250.
Aicardi-Goutieres syndrome 7 (AGS7). Identifiers: Orphanet 51, MedGen C3888244, MONDO:0014367, OMIM 615846.

Submission:

Labcorp Genetics (formerly Invitae), Labcorp
Classification: Uncertain significance for Aicardi-Goutieres syndrome 7; Singleton-Merten syndrome 1. Last evaluated: 2022-09-27. Review status: criteria provided, single submitter. Criteria: Invitae Variant Classification Sherloc (09022015). Collection method: clinical testing. Allele origin: germline.
Comment: This sequence change replaces leucine, which is neutral and non-polar, with phenylalanine, which is neutral and non-polar, at codon 687 of the IFIH1 protein (p.Leu687Phe). In summary, the available evidence is currently insufficient to determine the role of this variant in disease. Therefore, it has been classified as a Variant of Uncertain Significance. Advanced modeling of protein sequence and biophysical properties (such as structural, functional, and spatial information, amino acid conservation, physicochemical variation, residue mobility, and thermodynamic stability) has been performed at Invitae for this missense variant, however the output from this modeling did not meet the statistical confidence thresholds required to predict the impact of this variant on IFIH1 protein function. This variant has not been reported in the literature in individuals affected with IFIH1-related conditions. This variant is not present in population databases (gnomAD no frequency).

NM_022168.4(IFIH1):c.2061G>T (p.Leu687Phe)

Gene: IFIH1 (interferon induced with helicase C domain 1; minus strand). Cytogenetic location: 2q24.2.
Variant type: single nucleotide variant.
Coding change: c.2061G>T on transcript NM_022168.4 (MANE Select); coding-DNA position 2061, G replaced by T.
Protein change: p.Leu687Phe; replaces leucine 687 with phenylalanine.
Molecular consequence: missense variant.
Genome position (GRCh38, 1-based): chr2:162,276,930, C>A on the plus strand (G>T on the coding strand, the complement: IFIH1 is on the minus strand). VCF-style: chr2-162276930-C-A. GRCh37 (hg19) VCF-style: chr2-163133440-C-A.
Other names: short protein forms L687F.
Identifiers: ClinVar variation 2011452 (VCV002011452.4), dbSNP rs2468958327, ClinGen allele CA348998081.